The following is an entry in ClinVar:

ClinVar aggregate classification (germline): Benign/Likely benign. Review status: criteria provided, multiple submitters, no conflicts (2 of 4 stars). 4 submissions from 4 submitters: Benign (1); Likely benign (3). Last evaluated 2026-07-13.

Conditions:
Hereditary cancer-predisposing syndrome. Also called: Hereditary Cancer Syndrome; Hereditary neoplastic syndrome; Neoplastic Syndromes, Hereditary; Tumor predisposition. Identifiers: Orphanet 140162, MedGen C0027672, MeSH D009386, MONDO:0015356.
Rhabdoid tumor predisposition syndrome 2 (RTPS2). Identifiers: Orphanet 231108, Orphanet 69077, MedGen C2750074, MONDO:0013224, OMIM 613325.

Allele frequency attached by ClinVar (database versions not stated): gnomAD exomes 0.00001 and 0.00002; ExAC 0.00003.
gnomAD v4.1: 9 of 1,614,126 alleles (0.00056%); highest among the groups gnomAD compares: East Asian, 0.0022%; no homozygotes.

Submissions (4):

Myriad Genetics, Inc.
Classification: Benign for Rhabdoid tumor predisposition syndrome 2. Last evaluated: 2026-07-13. Review status: criteria provided, single submitter. Criteria: Myriad Autosomal Dominant, Autosomal Recessive and X-Linked Classification Criteria (2023). Collection method: clinical testing. Allele origin: unknown.
Comment: This variant is considered benign. This variant is a silent/synonymous amino acid change and it is not expected to impact splicing.

Labcorp Genetics (formerly Invitae), Labcorp
Classification: Likely benign for Rhabdoid tumor predisposition syndrome 2. Last evaluated: 2026-02-01. Review status: criteria provided, single submitter. Criteria: Invitae Variant Classification Sherloc (09022015). Collection method: clinical testing. Allele origin: germline.

Sema4
Classification: Likely benign for Hereditary cancer-predisposing syndrome. Last evaluated: 2021-06-16. Review status: criteria provided, single submitter. Criteria: Sema4 Curation Guidelines. Collection method: curation. Allele origin: germline.

Ambry Genetics
Classification: Likely benign for Hereditary cancer-predisposing syndrome. Last evaluated: 2017-08-03. Review status: criteria provided, single submitter. Criteria: Ambry Variant Classification Scheme 2023. Collection method: clinical testing. Allele origin: germline.

NM_003072.5(SMARCA4):c.2334C>T (p.Ala778=)

Gene: SMARCA4 (SWI/SNF related BAF chromatin remodeling complex subunit ATPase 4; plus strand). Cytogenetic location: 19p13.2.
Variant type: single nucleotide variant.
Coding change: c.2334C>T on transcript NM_003072.5 (MANE Select); coding-DNA position 2334, C replaced by T.
Protein change: p.Ala778=; no amino-acid change (alanine 778 retained).
Molecular consequence: synonymous variant. On other transcripts: non-coding transcript variant (1).
Genome position (GRCh38, 1-based): chr19:11,013,008, C>T. VCF-style: chr19-11013008-C-T. GRCh37 (hg19) VCF-style: chr19-11123684-C-T.
Other names: c.2334C>T, p.Ala778= (NM_001374457.1, NM_001387283.1, NM_001128844.3 and 5 more transcripts).
Identifiers: ClinVar variation 415065 (VCV000415065.18), dbSNP rs757358465, ClinGen allele CA9204085.
Genomic context (GRCh38, chr19:11,013,008, plus strand): 5'-GATCAAAGGTTTGGAGTGGCTGGTGTCCCTGTACAACAACAACCTGAACGGCATCCTGGC[C>T]GACGAGATGGGCCTGGGGAAGACCATCCAGACCATCGCGCTCATCACGTACCTCATGGAG-3'
Protein context (NP_003063.2, residues 768-788): LYNNNLNGIL[Ala778=]DEMGLGKTIQ